The following is an entry in ClinVar:

ClinVar aggregate classification (germline): Conflicting classifications of pathogenicity. Review status: criteria provided, conflicting classifications (1 of 4 stars). 4 submissions from 4 submitters: Uncertain significance (3); Likely benign (1). Last evaluated 2025-08-12.

Conditions:
Hereditary cancer-predisposing syndrome. Also called: Tumor predisposition; Neoplastic Syndromes, Hereditary; Hereditary neoplastic syndrome; Hereditary Cancer Syndrome. Identifiers: Orphanet 140162, MedGen C0027672, MeSH D009386, MONDO:0015356.
Familial cancer of breast. Also called: hereditary breast carcinoma; BREAST CANCER, FAMILIAL; Hereditary breast cancer. Identifiers: Orphanet 227535, MedGen C0346153, MONDO:0016419, OMIM 114480. Disease mechanism: loss of function.

Submissions (4):

Labcorp Genetics (formerly Invitae), Labcorp
Classification: Uncertain significance for Familial cancer of breast. Last evaluated: 2025-08-12. Review status: criteria provided, single submitter. Criteria: Invitae Variant Classification Sherloc (09022015). Collection method: clinical testing. Allele origin: germline.
Comment: This sequence change replaces lysine, which is basic and polar, with arginine, which is basic and polar, at codon 130 of the BARD1 protein (p.Lys130Arg). This variant is not present in population databases (gnomAD no frequency). This variant has not been reported in the literature in individuals affected with BARD1-related conditions. ClinVar contains an entry for this variant (Variation ID: 630478). An algorithm developed to predict the effect of missense changes on protein structure and function outputs the following: PolyPhen-2: "Benign". The arginine amino acid residue is found in multiple mammalian species, which suggests that this missense change does not adversely affect protein function. In summary, the available evidence is currently insufficient to determine the role of this variant in disease. Therefore, it has been classified as a Variant of Uncertain Significance.

Quest Diagnostics Nichols Institute San Juan Capistrano
Classification: Uncertain significance. Last evaluated: 2024-08-02. Review status: criteria provided, single submitter. Criteria: Quest Diagnostics criteria. Collection method: clinical testing. Allele origin: unknown.
Comment: The BARD1 c.389A>G (p.Lys130Arg) variant has not been reported in individuals with BARD1-related conditions in the published literature. It also has not been reported in large, multi-ethnic general populations (Genome Aggregation Database). Analysis of this variant using bioinformatics tools for the prediction of the effect of amino acid changes on protein structure and function yielded predictions that this variant is benign. Based on the available information, we are unable to determine the clinical significance of this variant.

Color Diagnostics, LLC DBA Color Health
Classification: Uncertain significance for Hereditary cancer-predisposing syndrome. Last evaluated: 2023-12-05. Review status: criteria provided, single submitter. Criteria: ACMG Guidelines, 2015. Collection method: clinical testing. Allele origin: germline.
Comment: This missense variant replaces lysine with arginine at codon 130 of the BARD1 protein. Computational prediction suggests that this variant may not impact protein structure and function (internally defined REVEL score threshold <= 0.5, PMID: 27666373). To our knowledge, functional studies have not been reported for this variant. This variant has not been reported in individuals affected with BARD1-related disorders in the literature. This variant has not been identified in the general population by the Genome Aggregation Database (gnomAD). The available evidence is insufficient to determine the role of this variant in disease conclusively. Therefore, this variant is classified as a Variant of Uncertain Significance.

Ambry Genetics
Classification: Likely benign for Hereditary cancer-predisposing syndrome. Last evaluated: 2023-09-21. Review status: criteria provided, single submitter. Criteria: Ambry Variant Classification Scheme 2023. Collection method: clinical testing. Allele origin: germline.

NM_000465.4(BARD1):c.389A>G (p.Lys130Arg)

Gene: BARD1 (BRCA1 associated RING domain 1; minus strand). Cytogenetic location: 2q35.
Variant type: single nucleotide variant.
Coding change: c.389A>G on transcript NM_000465.4 (MANE Select); coding-DNA position 389, A replaced by G.
Protein change: p.Lys130Arg; replaces lysine 130 with arginine.
Molecular consequence: missense variant. On other transcripts: non-coding transcript variant (2), intron variant (3).
Genome position (GRCh38, 1-based): chr2:214,781,485, T>C on the plus strand (A>G on the coding strand, the complement: BARD1 is on the minus strand). VCF-style: chr2-214781485-T-C. GRCh37 (hg19) VCF-style: chr2-215646209-T-C.
Other names: c.332A>G, p.Lys111Arg (NM_001282543.2); c.158+27927A>G (NM_001282548.2); c.215+15576A>G (NM_001282545.2); c.364+10812A>G (NM_001282549.2); c.389A>G (NM_000465.2); short protein forms K130R, K111R.
Identifiers: ClinVar variation 630478 (VCV000630478.18), dbSNP rs1174079177, ClinGen allele CA350458199.
Genomic context (GRCh38, chr2:214,781,485, plus strand): 5'-CGAGGGCTAAACCACATTTTAATTGAATTCTTCTTGTTTCCTGCATCATTAAACAAACTT[T>C]TCCTAGGTTTATCTTCTTTCAAATCTGACAGAAAAAAAGAAAAAGAAATCTGTTACATGA-3'
Protein context (NP_000456.2, residues 120-140): LSDLKEDKPR[Lys130Arg]SLFNDAGNKK